The following is an entry in ClinVar:

ClinVar aggregate classification (germline): Uncertain significance. Review status: criteria provided, single submitter (1 of 4 stars). 3 submissions from 3 submitters: Uncertain significance (1). 2 of the submissions do not count toward it. Last evaluated 2025-09-10.

Conditions:
Aortic valve disease 2 (AOVD2). Identifiers: MedGen C3542024, MONDO:0013902, OMIM 614823.
SMAD6-related disease. Also called: SMAD6-related condition; SMAD6-related disorder. Identifiers: MedGen CN381596, MONDO:0700324.
Craniosynostosis 7 (CRS7). Also called: CRANIOSYNOSTOSIS 7, DIGENIC; CRS7, DIGENIC. Identifiers: MedGen C4479496, MONDO:0044315, OMIM 617439.

Allele frequency attached by ClinVar (database versions not stated): gnomAD 0.00001.
gnomAD v4.1: 18 of 1,478,814 alleles (0.0012%); highest among the groups gnomAD compares: Admixed American, 0.0023%; no homozygotes.

Submissions (3):

Labcorp Genetics (formerly Invitae), Labcorp
Classification: Uncertain significance for Aortic valve disease 2. Last evaluated: 2025-09-10. Review status: criteria provided, single submitter. Criteria: Invitae Variant Classification Sherloc (09022015). Collection method: clinical testing. Allele origin: germline.
Comment: This sequence change replaces glutamic acid, which is acidic and polar, with lysine, which is basic and polar, at codon 273 of the SMAD6 protein (p.Glu273Lys). This variant also falls at the last nucleotide of exon 1, which is part of the consensus splice site for this exon. This variant is not present in population databases (gnomAD no frequency). This missense change has been observed in individual(s) with clinical features of SMAD6-related conditions (PMID: 36732661, 38290823). ClinVar contains an entry for this variant (Variation ID: 1705021). An algorithm developed to predict the effect of missense changes on protein structure and function (PolyPhen-2) suggests that this variant is likely to be disruptive. Variants that disrupt the consensus splice site are a relatively common cause of aberrant splicing (PMID: 17576681, 9536098). Algorithms developed to predict the effect of sequence changes on RNA splicing suggest that this variant may disrupt the consensus splice site. In summary, the available evidence is currently insufficient to determine the role of this variant in disease. Therefore, it has been classified as a Variant of Uncertain Significance.

PreventionGenetics, part of Exact Sciences
Classification: Uncertain significance for SMAD6-related condition. Last evaluated: 2024-06-22. Review status: no assertion criteria provided. Collection method: clinical testing. Allele origin: germline. Not counted in ClinVar's aggregate classification.
Comment: The SMAD6 c.817G>A variant is predicted to result in the amino acid substitution p.Glu273Lys. This variant has been reported in an individual with trigonocephaly and was reported to be inherited from the unaffected mother (Di Rocco et al. 2023. PubMed ID: 36732661). This variant has not been reported in a large population database, indicating this variant is rare. At this time, the clinical significance of this variant is uncertain due to the absence of conclusive functional and genetic evidence.

Centre of Medical Genetics, University of Antwerp
Classification: Pathogenic for Craniosynostosis 7. Last evaluated: 2022-09-12. Review status: no assertion criteria provided. Collection method: research, in vitro. Allele origin: biparental, not applicable. Affected: yes. Observed: 1 variant allele. Not counted in ClinVar's aggregate classification.

Literature cited by the submitters: PubMed 36732661 (cited by Labcorp Genetics (formerly Invitae), Labcorp); PubMed 38290823 (cited by Labcorp Genetics (formerly Invitae), Labcorp); PubMed 17576681 (cited by Labcorp Genetics (formerly Invitae), Labcorp); PubMed 9536098 (cited by Labcorp Genetics (formerly Invitae), Labcorp).

NM_005585.5(SMAD6):c.817G>A (p.Glu273Lys)

Gene: SMAD6 (SMAD family member 6; plus strand). Cytogenetic location: 15q22.31.
Variant type: single nucleotide variant.
Coding change: c.817G>A on transcript NM_005585.5 (MANE Select); coding-DNA position 817, G replaced by A.
Protein change: p.Glu273Lys; replaces glutamic acid 273 with lysine.
Molecular consequence: missense variant. On other transcripts: non-coding transcript variant (1).
Genome position (GRCh38, 1-based): chr15:66,704,075, G>A. VCF-style: chr15-66704075-G-A. GRCh37 (hg19) VCF-style: chr15-66996413-G-A.
Other names: c.817G>A (NM_005585.4); short protein forms E273K.
Identifiers: ClinVar variation 1705021 (VCV001705021.5), dbSNP rs1259557323, ClinGen allele CA392950308.